The following is an entry in ClinVar:

NM_001113378.2(FANCI):c.2918A>G (p.Gln973Arg)

Gene: FANCI (FA complementation group I; plus strand). Cytogenetic location: 15q26.1.
Variant type: single nucleotide variant.
Coding change: c.2918A>G on transcript NM_001113378.2 (MANE Select); coding-DNA position 2918, A replaced by G.
Protein change: p.Gln973Arg; replaces glutamine 973 with arginine.
Molecular consequence: missense variant.
Genome position (GRCh38, 1-based): chr15:89,301,354, A>G. VCF-style: chr15-89301354-A-G. GRCh37 (hg19) VCF-style: chr15-89844585-A-G.
Other names: c.2639A>G, p.Gln880Arg (NM_001376910.1); c.2918A>G, p.Gln973Arg (NM_001376911.1); c.2738A>G, p.Gln913Arg (NM_018193.3); short protein forms Q880R, Q913R, Q973R.
Identifiers: ClinVar variation 1337874 (VCV001337874.10), dbSNP rs780663944, ClinGen allele CA274522667.

ClinVar aggregate classification (germline): Uncertain significance. Review status: criteria provided, multiple submitters, no conflicts (2 of 4 stars). 2 submissions from 2 submitters: Uncertain significance (2). Last evaluated 2024-12-03.

Conditions:
Fanconi anemia (FA). Also called: Fanconi's anemia. Identifiers: Orphanet 84, MedGen C0015625, MeSH D005199, MONDO:0019391.

Allele frequency attached by ClinVar (database versions not stated): gnomAD 0.00001; TOPMed 0.00001; gnomAD exomes 0.00002.
gnomAD v4.1: 33 of 1,613,902 alleles (0.002%); highest among the groups gnomAD compares: Non-Finnish European, 0.0028%; no homozygotes.

Submissions (2):

Labcorp Genetics (formerly Invitae), Labcorp
Classification: Uncertain significance for Fanconi anemia. Last evaluated: 2024-12-03. Review status: criteria provided, single submitter. Criteria: Invitae Variant Classification Sherloc (09022015). Collection method: clinical testing. Allele origin: germline.
Comment: This sequence change replaces glutamine, which is neutral and polar, with arginine, which is basic and polar, at codon 973 of the FANCI protein (p.Gln973Arg). This variant is not present in population databases (gnomAD no frequency). This variant has not been reported in the literature in individuals affected with FANCI-related conditions. ClinVar contains an entry for this variant (Variation ID: 1337874). Invitae Evidence Modeling of protein sequence and biophysical properties (such as structural, functional, and spatial information, amino acid conservation, physicochemical variation, residue mobility, and thermodynamic stability) indicates that this missense variant is not expected to disrupt FANCI protein function with a negative predictive value of 80%. In summary, the available evidence is currently insufficient to determine the role of this variant in disease. Therefore, it has been classified as a Variant of Uncertain Significance.

Genetic Services Laboratory, University of Chicago
Classification: Uncertain significance. Last evaluated: 2021-03-15. Review status: criteria provided, single submitter. Criteria: ACMG Guidelines, 2015. Collection method: clinical testing. Allele origin: germline. Affected: no.
Comment: DNA sequence analysis of the FANCI gene demonstrated a sequence change, c.2918A>G, in exon 27 that results in an amino acid change, p.Gln973Arg. This sequence change is absent from known population databases. The p.Gln973Arg change affects a poorly conserved amino acid residue located in a domain of the FANCI protein that is not known to be functional. The p.Gln973Arg substitution appears to be benign using several in-silico pathogenicity prediction tools (SIFT, PolyPhen2, Align GVGD, REVEL). This sequence change does not appear to have been previously described in patients with FANCI-related disorders. Due to the lack of sufficient evidences, the clinical significance of the p.Gln973Arg change remains unknown at this time.